The following is an entry in ClinVar:

NM_021096.4(CACNA1I):c.6443C>T (p.Thr2148Met)

Gene: CACNA1I (calcium voltage-gated channel subunit alpha1 I; plus strand). Cytogenetic location: 22q13.1.
Variant type: single nucleotide variant.
Coding change: c.6443C>T on transcript NM_021096.4 (MANE Select); coding-DNA position 6443, C replaced by T.
Protein change: p.Thr2148Met; replaces threonine 2148 with methionine.
Molecular consequence: missense variant.
Genome position (GRCh38, 1-based): chr22:39,686,176, C>T. VCF-style: chr22-39686176-C-T. GRCh37 (hg19) VCF-style: chr22-40082181-C-T.
Other names: c.6338C>T, p.Thr2113Met (NM_001003406.2); short protein forms T2113M, T2148M.
Identifiers: ClinVar variation 2634682 (VCV002634682.1), dbSNP rs1452954335, ClinGen allele CA411648680.
Genomic context (GRCh38, chr22:39,686,176, plus strand): 5'-GCAGCCTCTCGCTCACCTCCCTCTTCTGCCCGCCGCCCCCGCCGCCAGCCCCCGGCCTCA[C>T]GCCCGCCAGGAAGTTCAGCAGCACCAGCAGCCTGGCCGCCCCCGGCCGCCCCCACGCCGC-3'
Protein context (NP_066919.2, residues 2138-2158): PPPPPPAPGL[Thr2148Met]PARKFSSTSS

ClinVar aggregate classification (germline): Uncertain significance (1 of 4 stars; one submission).

Conditions:
CACNA1I-related disorder. Also called: CACNA1I-related condition.

gnomAD v4.1: 13 of 1,286,900 alleles (0.001%); highest among the groups gnomAD compares: Middle Eastern, 0.058%; no homozygotes.

Submission:

PreventionGenetics, part of Exact Sciences
Classification: Uncertain significance for CACNA1I-related condition. Last evaluated: 2022-10-19. Review status: criteria provided, single submitter. Criteria: ACMG Guidelines, 2015. Collection method: clinical testing. Allele origin: germline.
Comment: The CACNA1I c.6443C>T variant is predicted to result in the amino acid substitution p.Thr2148Met. To our knowledge, this variant has not been reported in the literature or in a large population database, indicating this variant is rare. At this time, the clinical significance of this variant is uncertain due to the absence of conclusive functional and genetic evidence.